The following is an entry in ClinVar:

NM_014908.4(DOLK):c.187C>G (p.Leu63Val)

Gene: DOLK (dolichol kinase; minus strand). Cytogenetic location: 9q34.11.
Variant type: single nucleotide variant.
Coding change: c.187C>G on transcript NM_014908.4 (MANE Select); coding-DNA position 187, C replaced by G.
Protein change: p.Leu63Val; replaces leucine 63 with valine.
Molecular consequence: missense variant.
Genome position (GRCh38, 1-based): chr9:128,947,117, G>C on the plus strand (C>G on the coding strand, the complement: DOLK is on the minus strand). VCF-style: chr9-128947117-G-C. GRCh37 (hg19) VCF-style: chr9-131709396-G-C.
Other names: short protein forms L63V.
Identifiers: ClinVar variation 1039522 (VCV001039522.6), dbSNP rs1385561774, ClinGen allele CA375127799.

ClinVar aggregate classification (germline): Uncertain significance (1 of 4 stars; one submission).

Conditions:
DK1-congenital disorder of glycosylation. Also called: CONGENITAL DISORDER OF GLYCOSYLATION, TYPE Im; DK1-CDG; CDG Im; DK1 DEFICIENCY; DOLICHOL KINASE DEFICIENCY; DOLK-congenital disorder of glycosylation. Identifiers: Orphanet 91131, MedGen C1835849, MONDO:0012556, OMIM 610768.

Allele frequency attached by ClinVar (database versions not stated): gnomAD exomes below 0.00001; TOPMed below 0.00001; gnomAD 0.00001.
gnomAD v4.1: 3 of 1,613,870 alleles (0.00019%); highest among the groups gnomAD compares: African/African-American, 0.0027%; no homozygotes.

Submission:

Labcorp Genetics (formerly Invitae), Labcorp
Classification: Uncertain significance for DK1-congenital disorder of glycosylation. Last evaluated: 2021-08-24. Review status: criteria provided, single submitter. Criteria: Invitae Variant Classification Sherloc (09022015). Collection method: clinical testing. Allele origin: germline.
Comment: This sequence change replaces leucine with valine at codon 63 of the DOLK protein (p.Leu63Val). The leucine residue is highly conserved and there is a small physicochemical difference between leucine and valine. This variant is not present in population databases (ExAC no frequency). This variant has not been reported in the literature in individuals affected with DOLK-related conditions. Algorithms developed to predict the effect of missense changes on protein structure and function are either unavailable or do not agree on the potential impact of this missense change (SIFT: "Deleterious"; PolyPhen-2: "Probably Damaging"; Align-GVGD: "Class C0"). In summary, the available evidence is currently insufficient to determine the role of this variant in disease. Therefore, it has been classified as a Variant of Uncertain Significance.